The following is an entry in ClinVar:

NM_015141.4(GPD1L):c.354_355insGAGTT (p.Thr119fs)

Gene: GPD1L (glycerol-3-phosphate dehydrogenase 1 like; plus strand). Cytogenetic location: 3p22.3.
Variant type: Insertion.
Coding change: c.354_355insGAGTT on transcript NM_015141.4 (MANE Select); coding-DNA positions 354 to 355, GAGTT inserted.
Protein change: p.Thr119fs; shifts the reading frame from threonine 119.
Molecular consequence: frameshift variant.
Genome position: GRCh38 VCF-style: chr3-32138715-C-CGAGTT. GRCh37 (hg19) VCF-style: chr3-32180207-C-CGAGTT.
Other names: short protein forms T119fs.
Identifiers: ClinVar variation 402909 (VCV000402909.4), dbSNP rs1060499861, ClinGen allele CA16609717.

ClinVar aggregate classification (germline): Uncertain significance (1 of 4 stars; one submission).

Submission:

Laboratory for Molecular Medicine, Mass General Brigham Personalized Medicine
Classification: Uncertain significance. Last evaluated: 2016-10-20. Review status: criteria provided, single submitter. Criteria: LMM Criteria. Collection method: clinical testing. Allele origin: germline.
Comment: Variant identified in a genome or exome case(s) and assessed due to predicted null impact of the variant or pathogenic assertions in the literature or databases. Disclaimer: This variant has not undergone full assessment. The following are preliminary notes: LOF of this gene not has not been reported in Brugada/SIDS/SCD